The following is an entry in ClinVar:

ClinVar aggregate classification (germline): Uncertain significance (1 of 4 stars; one submission).

Submission:

Labcorp Genetics (formerly Invitae), Labcorp
Classification: Uncertain significance. Last evaluated: 2021-01-30. Review status: criteria provided, single submitter. Criteria: Invitae Variant Classification Sherloc (09022015). Collection method: clinical testing. Allele origin: germline.
Comment: Advanced modeling of protein sequence and biophysical properties (such as structural, functional, and spatial information, amino acid conservation, physicochemical variation, residue mobility, and thermodynamic stability) performed at Invitae indicates that this missense variant is expected to disrupt KCNH1 protein function. This variant has not been reported in the literature in individuals with KCNH1-related conditions. In summary, the available evidence is currently insufficient to determine the role of this variant in disease. Therefore, it has been classified as a Variant of Uncertain Significance. This variant is not present in population databases (ExAC no frequency). This sequence change replaces glutamine with lysine at codon 189 of the KCNH1 protein (p.Gln189Lys). The glutamine residue is moderately conserved and there is a small physicochemical difference between glutamine and lysine.

NM_172362.3(KCNH1):c.565C>A (p.Gln189Lys)

Gene: KCNH1 (potassium voltage-gated channel subfamily H member 1; minus strand). Cytogenetic location: 1q32.2.
Variant type: single nucleotide variant.
Coding change: c.565C>A on transcript NM_172362.3 (MANE Select); coding-DNA position 565, C replaced by A.
Protein change: p.Gln189Lys; replaces glutamine 189 with lysine.
Molecular consequence: missense variant.
Genome position (GRCh38, 1-based): chr1:211,019,250, G>T on the plus strand (C>A on the coding strand, the complement: KCNH1 is on the minus strand). VCF-style: chr1-211019250-G-T. GRCh37 (hg19) VCF-style: chr1-211192592-G-T.
Other names: c.565C>A, p.Gln189Lys (NM_002238.4); short protein forms Q189K.
Identifiers: ClinVar variation 1505693 (VCV001505693.8), dbSNP rs1689547068, ClinGen allele CA344876568.